The following is an entry in ClinVar:

NM_015272.5(RPGRIP1L):c.1158A>G (p.Lys386=)

Gene: RPGRIP1L (RPGRIP1 like; minus strand). Cytogenetic location: 16q12.2.
Variant type: single nucleotide variant.
Coding change: c.1158A>G on transcript NM_015272.5 (MANE Select); coding-DNA position 1158, A replaced by G.
Protein change: p.Lys386=; no amino-acid change (lysine 386 retained).
Molecular consequence: synonymous variant.
Genome position (GRCh38, 1-based): chr16:53,664,955, T>C on the plus strand (A>G on the coding strand, the complement: RPGRIP1L is on the minus strand). VCF-style: chr16-53664955-T-C. GRCh37 (hg19) VCF-style: chr16-53698867-T-C.
Other names: c.1158A>G, p.Lys386= (NM_001127897.4, NM_001308334.3, NM_001330538.2).
Identifiers: ClinVar variation 4983173 (VCV004983173.1).

ClinVar aggregate classification (germline): Likely benign (1 of 4 stars; one submission).

Conditions:
RPGRIP1L-related disorder. Also called: RPGRIP1L-related condition; RPGRIP1L-related disorders. Identifiers: MedGen CN239416.

Submission:

PreventionGenetics, part of Exact Sciences
Classification: Likely benign for RPGRIP1L-related condition. Last evaluated: 2025-12-12. Review status: criteria provided, single submitter. Criteria: ACMG Guidelines, 2015. Collection method: clinical testing. Allele origin: germline.
Comment: This variant is classified as likely benign based on ACMG/AMP sequence variant interpretation guidelines (Richards et al. 2015 PMID: 25741868, with internal and published modifications).